The following is an entry in ClinVar:

NM_005902.4(SMAD3):c.120del (p.Lys41fs)

Gene: SMAD3 (SMAD family member 3; plus strand). Cytogenetic location: 15q22.33.
Variant type: Deletion.
Coding change: c.120del on transcript NM_005902.4 (MANE Select); coding-DNA position 120, one base deleted (G; older notation c.120delG).
Protein change: p.Lys41fs; shifts the reading frame from lysine 41.
Molecular consequence: frameshift variant.
Genome position (GRCh38, 1-based): chr15:67,066,274, G deleted. VCF-style (leftmost placement, unchanged base first): chr15-67066273-AG-A. GRCh37 (hg19) VCF-style: chr15-67358611-AG-A.
Other names: c.120del, p.Lys41fs (NM_001407011.1, NM_001407012.1, NM_001407013.1); short protein forms K41fs.
Identifiers: ClinVar variation 4727229 (VCV004727229.1).

ClinVar aggregate classification (germline): Pathogenic (1 of 4 stars; one submission).

Conditions:
Familial thoracic aortic aneurysm and aortic dissection (TAAD). Also called: Thoracic aortic aneurysms and dissections. Identifiers: Orphanet 91387, MedGen C4707243, MONDO:0019625.

Submission:

Labcorp Genetics (formerly Invitae), Labcorp
Classification: Pathogenic for Familial thoracic aortic aneurysm and aortic dissection. Last evaluated: 2025-09-15. Review status: criteria provided, single submitter. Criteria: Invitae Variant Classification Sherloc (09022015). Collection method: clinical testing. Allele origin: germline.
Comment: This sequence change creates a premature translational stop signal (p.Lys41Asnfs*75) in the SMAD3 gene. It is expected to result in an absent or disrupted protein product. Loss-of-function variants in SMAD3 are known to be pathogenic (PMID: 21778426, 24804794). This variant is not present in population databases (gnomAD no frequency). This variant has not been reported in the literature in individuals affected with SMAD3-related conditions. For these reasons, this variant has been classified as Pathogenic.

Literature cited by the submitters: PubMed 21778426; PubMed 24804794.